The following is an entry in ClinVar:

ClinVar aggregate classification (germline): Likely pathogenic (1 of 4 stars; one submission).

Conditions:
Hereditary breast ovarian cancer syndrome. Also called: Hereditary breast and ovarian cancer; Hereditary breast and ovarian cancer syndrome (HBOC); Breast and ovarian cancer; Hereditary breast and ovarian cancer syndrome; BRCA1- and BRCA2-Associated Hereditary Breast and Ovarian Cancer; Hereditary breast and/or ovarian cancer syndrome. Identifiers: Orphanet 145, MedGen C0677776, MeSH D061325, MONDO:0003582. Disease mechanism: loss of function.

Submission:

Women's Health and Genetics/Laboratory Corporation of America, LabCorp
Classification: Likely pathogenic for Hereditary breast and ovarian cancer syndrome. Last evaluated: 2018-01-29. Review status: criteria provided, single submitter. Criteria: LabCorp Variant Classification Summary - May 2015. Collection method: clinical testing. Allele origin: germline.
Comment: Variant summary: BRCA2 c.1841_1842dupTT (p.Asn615LeufsX30) results in a frame-shift that creates a premature termination codon downstream of the affected nucleotides, and is predicted to cause a truncation of the encoded protein or absence of the protein due to nonsense mediated decay, which are commonly known mechanisms for disease. Truncations downstream of this position have been classified as pathogenic by our laboratory (eg. c.1855C>T (p.Gln619X), c.1888dupA (p.Thr630fsX6), c.1889delC (p.Thr630fsX14). The variant was absent in 237310 control chromosomes in gnomAD. To our knowledge, no occurrence of c.1841_1842dupTT in individuals affected with Hereditary Breast and Ovarian Cancer and no experimental evidence demonstrating its impact on protein function have been reported. No clinical diagnostic laboratories have submitted clinical-significance assessments for this variant to ClinVar after 2014. Based on the evidence outlined above, the variant was classified as likely pathogenic.

NM_000059.4(BRCA2):c.1841_1842dup (p.Asn615fs)

Gene: BRCA2 (BRCA2 DNA repair associated; plus strand). Cytogenetic location: 13q13.1.
Variant type: Duplication.
Coding change: c.1841_1842dup on transcript NM_000059.4 (MANE Select); coding-DNA positions 1841 to 1842, 2 bases duplicated (TT; older notation c.1841_1842dupTT).
Protein change: p.Asn615fs; shifts the reading frame from asparagine 615.
Molecular consequence: frameshift variant.
Genome position (GRCh38, 1-based): chr13:32,333,319-32,333,320, TT duplicated. VCF-style (leftmost placement, unchanged base first): chr13-32333318-A-ATT. GRCh37 (hg19) VCF-style: chr13-32907455-A-ATT.
Other names: c.1841_1842dupTT (NM_000059.3); short protein forms N615fs.
Identifiers: ClinVar variation 633102 (VCV000633102.1), dbSNP rs80359312, ClinGen allele CA913190899.